The following is an entry in ClinVar:

NM_032380.5(GFM2):c.1147C>G (p.Leu383Val)

Gene: GFM2 (GTP dependent ribosome recycling factor mitochondrial 2; minus strand). Cytogenetic location: 5q13.3.
Variant type: single nucleotide variant.
Coding change: c.1147C>G on transcript NM_032380.5 (MANE Select); coding-DNA position 1147, C replaced by G.
Protein change: p.Leu383Val; replaces leucine 383 with valine.
Molecular consequence: missense variant. On other transcripts: non-coding transcript variant (1), intron variant (1).
Genome position (GRCh38, 1-based): chr5:74,738,575, G>C on the plus strand (C>G on the coding strand, the complement: GFM2 is on the minus strand). VCF-style: chr5-74738575-G-C. GRCh37 (hg19) VCF-style: chr5-74034400-G-C.
Other names: p.L383V:CTG>GTG; c.1243C>G, p.Leu415Val (NM_001281302.2); c.1147C>G, p.Leu383Val (NM_170681.3); c.1080-158C>G (NM_170691.3); short protein forms L383V, L415V.
Identifiers: ClinVar variation 214512 (VCV000214512.10), dbSNP rs199681606, ClinGen allele CA322031.

ClinVar aggregate classification (germline): Uncertain significance. Review status: criteria provided, multiple submitters, no conflicts (2 of 4 stars). 3 submissions from 3 submitters: Uncertain significance (3). Last evaluated 2025-09-03.

Conditions:
Inborn genetic diseases. Identifiers: MedGen C0950123, MeSH D030342.

Allele frequency attached by ClinVar (database versions not stated): ExAC 0.00008; ESP Exome Variant Server 0.00015; 1000 Genomes Project 30x 0.00016; gnomAD 0.00018 and 0.00019; TOPMed 0.00018; 1000 Genomes Project 0.00020.
gnomAD v4.1: 467 of 1,613,726 alleles (0.029%); highest among the groups gnomAD compares: Non-Finnish European, 0.037%; no homozygotes.

Submissions (3):

Labcorp Genetics (formerly Invitae), Labcorp
Classification: Uncertain significance. Last evaluated: 2025-09-03. Review status: criteria provided, single submitter. Criteria: Invitae Variant Classification Sherloc (09022015). Collection method: clinical testing. Allele origin: germline.
Comment: This sequence change replaces leucine, which is neutral and non-polar, with valine, which is neutral and non-polar, at codon 383 of the GFM2 protein (p.Leu383Val). This variant is present in population databases (rs199681606, gnomAD 0.03%). This variant has not been reported in the literature in individuals affected with GFM2-related conditions. ClinVar contains an entry for this variant (Variation ID: 214512). Invitae Evidence Modeling of protein sequence and biophysical properties (such as structural, functional, and spatial information, amino acid conservation, physicochemical variation, residue mobility, and thermodynamic stability) indicates that this missense variant is not expected to disrupt GFM2 protein function with a negative predictive value of 80%. In summary, the available evidence is currently insufficient to determine the role of this variant in disease. Therefore, it has been classified as a Variant of Uncertain Significance.

GeneDx
Classification: Uncertain significance. Last evaluated: 2021-11-23. Review status: criteria provided, single submitter. Criteria: GeneDx Variant Classification Process June 2021. Collection method: clinical testing. Allele origin: germline. Affected: yes.
Comment: Has not been previously published as pathogenic or benign to our knowledge

Ambry Genetics
Classification: Uncertain significance for Inborn genetic diseases. Last evaluated: 2021-05-24. Review status: criteria provided, single submitter. Criteria: Ambry Variant Classification Scheme 2023. Collection method: clinical testing. Allele origin: germline.